The following is an entry in ClinVar:

ClinVar aggregate classification (germline): Uncertain significance. Review status: criteria provided, multiple submitters, no conflicts (2 of 4 stars). 2 submissions from 2 submitters: Uncertain significance (2). Last evaluated 2023-07-24.

Conditions:
Inborn genetic diseases. Identifiers: MedGen C0950123, MeSH D030342.

Submissions (2):

GeneDx
Classification: Uncertain significance. Last evaluated: 2023-07-24. Review status: criteria provided, single submitter. Criteria: GeneDx Variant Classification Process June 2021. Collection method: clinical testing. Allele origin: germline. Affected: yes.
Comment: Not observed at significant frequency in large population cohorts (gnomAD); In silico analysis supports that this missense variant does not alter protein structure/function; Has not been previously published as pathogenic or benign to our knowledge

Ambry Genetics
Classification: Uncertain significance for Inborn genetic diseases. Last evaluated: 2023-07-11. Review status: criteria provided, single submitter. Criteria: Ambry Variant Classification Scheme 2023. Collection method: clinical testing. Allele origin: germline.

NM_004069.6(AP2S1):c.250A>G (p.Ile84Val)

Gene: AP2S1 (adaptor related protein complex 2 subunit sigma 1; minus strand). Cytogenetic location: 19q13.32.
Variant type: single nucleotide variant.
Coding change: c.250A>G on transcript NM_004069.6 (MANE Select); coding-DNA position 250, A replaced by G.
Protein change: p.Ile84Val; replaces isoleucine 84 with valine.
Molecular consequence: missense variant. On other transcripts: intron variant (1).
Genome position (GRCh38, 1-based): chr19:46,839,482, T>C on the plus strand (A>G on the coding strand, the complement: AP2S1 is on the minus strand). VCF-style: chr19-46839482-T-C. GRCh37 (hg19) VCF-style: chr19-47342739-T-C.
Other names: c.298A>G, p.Ile100Val (NM_001301076.3); c.292A>G, p.Ile98Val (NM_001301078.3); c.256A>G, p.Ile86Val (NM_001301081.3); c.154-683A>G (NM_021575.5); c.250A>G (NM_004069.4); short protein forms I84V, I86V, I100V, I98V.
Identifiers: ClinVar variation 2610747 (VCV002610747.3), dbSNP rs2514059145, ClinGen allele CA406508900.